The following is an entry in ClinVar:

ClinVar aggregate classification (germline): Uncertain significance. Review status: criteria provided, multiple submitters, no conflicts (2 of 4 stars). 2 submissions from 2 submitters: Uncertain significance (2). Last evaluated 2025-08-27.

Conditions:
Inborn genetic diseases. Identifiers: MedGen C0950123, MeSH D030342.

gnomAD v4.1: 3 of 1,614,134 alleles (0.00019%); highest among the groups gnomAD compares: East Asian, 0.0067%; no homozygotes.

Submissions (2):

Ambry Genetics
Classification: Uncertain significance for Inborn genetic diseases. Last evaluated: 2025-08-27. Review status: criteria provided, single submitter. Criteria: Ambry Variant Classification Scheme 2023. Collection method: clinical testing. Allele origin: germline.

Labcorp Genetics (formerly Invitae), Labcorp
Classification: Uncertain significance. Last evaluated: 2022-07-26. Review status: criteria provided, single submitter. Criteria: Invitae Variant Classification Sherloc (09022015). Collection method: clinical testing. Allele origin: germline.
Comment: ClinVar contains an entry for this variant (Variation ID: 1522532). In summary, the available evidence is currently insufficient to determine the role of this variant in disease. Therefore, it has been classified as a Variant of Uncertain Significance. Algorithms developed to predict the effect of missense changes on protein structure and function output the following: SIFT: "Tolerated"; PolyPhen-2: "Benign"; Align-GVGD: "Class C0". The leucine amino acid residue is found in multiple mammalian species, which suggests that this missense change does not adversely affect protein function. This variant has not been reported in the literature in individuals affected with PCNT-related conditions. This variant is not present in population databases (gnomAD no frequency). This sequence change replaces valine, which is neutral and non-polar, with leucine, which is neutral and non-polar, at codon 3045 of the PCNT protein (p.Val3045Leu).

NM_006031.6(PCNT):c.9133G>T (p.Val3045Leu)

Gene: PCNT (pericentrin; plus strand). Cytogenetic location: 21q22.3.
Variant type: single nucleotide variant.
Coding change: c.9133G>T on transcript NM_006031.6 (MANE Select); coding-DNA position 9133, G replaced by T.
Protein change: p.Val3045Leu; replaces valine 3045 with leucine.
Molecular consequence: missense variant.
Genome position (GRCh38, 1-based): chr21:46,438,197, G>T. VCF-style: chr21-46438197-G-T. GRCh37 (hg19) VCF-style: chr21-47858110-G-T.
Other names: c.9133G>T (NM_006031.5); c.8542G>T, p.Val2848Leu (NM_001315529.2); short protein forms V2848L, V3045L.
Identifiers: ClinVar variation 1522532 (VCV001522532.9), dbSNP rs925637422, ClinGen allele CA410576512.